The following is an entry in ClinVar:

ClinVar aggregate classification (germline): Uncertain significance (1 of 4 stars; one submission).

Conditions:
Hereditary cancer-predisposing syndrome. Also called: Tumor predisposition; Neoplastic Syndromes, Hereditary; Hereditary Cancer Syndrome; Hereditary neoplastic syndrome. Identifiers: Orphanet 140162, MedGen C0027672, MeSH D009386, MONDO:0015356.

Submission:

Ambry Genetics
Classification: Uncertain significance for Hereditary cancer-predisposing syndrome. Last evaluated: 2024-11-17. Review status: criteria provided, single submitter. Criteria: Ambry Variant Classification Scheme 2023. Collection method: clinical testing. Allele origin: germline.
Comment: The p.K584Q variant (also known as c.1750A>C), located in coding exon 9 of the DICER1 gene, results from an A to C substitution at nucleotide position 1750. The lysine at codon 584 is replaced by glutamine, an amino acid with similar properties. This amino acid position is conserved. In addition, this alteration is predicted to be tolerated by in silico analysis. Based on the available evidence, the clinical significance of this variant remains unclear.

NM_177438.3(DICER1):c.1750A>C (p.Lys584Gln)

Gene: DICER1 (dicer 1, ribonuclease III; minus strand). Cytogenetic location: 14q32.13.
Variant type: single nucleotide variant.
Coding change: c.1750A>C on transcript NM_177438.3 (MANE Select); coding-DNA position 1750, A replaced by C.
Protein change: p.Lys584Gln; replaces lysine 584 with glutamine.
Molecular consequence: missense variant. On other transcripts: non-coding transcript variant (6).
Genome position (GRCh38, 1-based): chr14:95,116,455, T>G on the plus strand (A>C on the coding strand, the complement: DICER1 is on the minus strand). VCF-style: chr14-95116455-T-G. GRCh37 (hg19) VCF-style: chr14-95582792-T-G.
Other names: c.1750A>C, p.Lys584Gln (NM_001195573.1, NM_001271282.3, NM_001291628.2 and 12 more transcripts); c.1468A>C, p.Lys490Gln (NM_001395686.1); c.1345A>C, p.Lys449Gln (NM_001395687.1, NM_001395688.1, NM_001395689.1 and 3 more transcripts); c.1183A>C, p.Lys395Gln (NM_001395691.1); c.67A>C, p.Lys23Gln (NM_001395697.1); short protein forms K23Q, K395Q, K449Q, K490Q, K584Q.
Identifiers: ClinVar variation 3501961 (VCV003501961.1).
Genomic context (GRCh38, chr14:95,116,455, plus strand): 5'-GAAGCCACATTAATTTTTTTTCCCAATCTGCCGGCACATGTTAATATGTTGATCTTACCT[T>G]TTCAATAGCTTTGTAGGTTTTAAGGTCTTCTTCAAAACTTTTTATTTTGTCTGTATCCGC-3'
Protein context (NP_803187.1, residues 574-594): EDLKTYKAIE[Lys584Gln]ILRNKCSKSV